The following is an entry in ClinVar:

ClinVar aggregate classification (germline): Likely benign (0 of 4 stars; one submission).

Conditions:
KDM3A-related disorder. Also called: KDM3A-related condition.

Allele frequency attached by ClinVar (database versions not stated): gnomAD 0.00001; gnomAD exomes 0.00002; ExAC 0.00003; 1000 Genomes Project 30x 0.00031; 1000 Genomes Project 0.00040.
gnomAD v4.1: 26 of 1,604,494 alleles (0.0016%); highest among the groups gnomAD compares: South Asian, 0.0022%; no homozygotes.

Submission:

PreventionGenetics, part of Exact Sciences
Classification: Likely benign for KDM3A-related condition. Last evaluated: 2019-03-04. Review status: no assertion criteria provided. Collection method: clinical testing. Allele origin: germline.
Comment: This variant is classified as likely benign based on ACMG/AMP sequence variant interpretation guidelines (Richards et al. 2015 PMID: 25741868, with internal and published modifications).

NM_018433.6(KDM3A):c.754+9T>C

Gene: KDM3A (lysine demethylase 3A; plus strand). Cytogenetic location: 2p11.2.
Variant type: single nucleotide variant.
Coding change: c.754+9T>C on transcript NM_018433.6 (MANE Select); 9 bases into the intron after coding-DNA position 754, T replaced by C.
Molecular consequence: intron variant.
Genome position (GRCh38, 1-based): chr2:86,456,886, T>C. VCF-style: chr2-86456886-T-C. GRCh37 (hg19) VCF-style: chr2-86684009-T-C.
Other names: c.754+9T>C (NM_001146688.2).
Identifiers: ClinVar variation 3057465 (VCV003057465.2), dbSNP rs200901071, ClinGen allele CA1749180.
Genomic context (GRCh38, chr2:86,456,886, plus strand): 5'-GATCCGTCACTGATTCATGTTGAAGTTGTACACGATAACCTTGTGACATGTGGTAAGATA[T>C]GTTATTAAAATCTTTCTTCTCCTTCCTCCTTTCCTCCGTTCTTCTCACATTAAGAGAAAC-3'